The following is an entry in ClinVar:

GRCh38/hg38 4q25-26(chr4:112689224-113436470)x3

Genes: ANK2 (ankyrin 2; plus strand), MIR1243 (microRNA 1243; plus strand), MIR8082 (microRNA 8082; plus strand), LOC105377374 (uncharacterized LOC105377374; minus strand), LOC112935975 (Sharpr-MPRA regulatory region 864; plus strand) and 9 more. Cytogenetic location: 4q25-26.
Variant type: copy number gain.
Change: copy number 3 (three copies instead of two) of chr4:112,689,224-113,436,470 (747.2 kb, GRCh38 coordinates, 1-based), cytogenetic band 4q25-26.
Identifiers: ClinVar variation 57341 (VCV000057341.1).

ClinVar aggregate classification (germline): Uncertain significance (1 of 4 stars; one submission).

Submission:

ISCA site 4
Classification: Uncertain significance. Last evaluated: 2011-08-12. Review status: criteria provided, single submitter. Criteria: Kaminsky et al. (Genet Med. 2011). Collection method: clinical testing. Allele origin: unknown. Affected: yes. Observed: 1 variant allele.
Comment: Copy number variation identified through the course of routine clinical cytogenomic testing in postnatal populations. Clinical assertions have been curated as described in Kaminsky et al. 2011.